The following is an entry in ClinVar:

NM_000135.4(FANCA):c.68C>T (p.Ala23Val)

Genes: FANCA (FA complementation group A; minus strand), LOC112486223 (Sharpr-MPRA regulatory region 3988; plus strand). Cytogenetic location: 16q24.3.
Variant type: single nucleotide variant.
Coding change: c.68C>T on transcript NM_000135.4 (MANE Select); coding-DNA position 68, C replaced by T.
Protein change: p.Ala23Val; replaces alanine 23 with valine.
Molecular consequence: missense variant.
Genome position (GRCh38, 1-based): chr16:89,816,548, G>A on the plus strand (C>T on the coding strand, the complement: FANCA is on the minus strand). VCF-style: chr16-89816548-G-A. GRCh37 (hg19) VCF-style: chr16-89882956-G-A.
Other names: c.68C>T (NM_000135.2, NM_000135.3); c.68C>T, p.Ala23Val (NM_001018112.3, NM_001286167.3, NM_001351830.2); short protein forms A23V.
Identifiers: ClinVar variation 1027038 (VCV001027038.14), dbSNP rs776297241, ClinGen allele CA8253261.

ClinVar aggregate classification (germline): Conflicting classifications of pathogenicity. Review status: criteria provided, conflicting classifications (1 of 4 stars). 5 submissions from 5 submitters: Uncertain significance (3); Likely benign (1). 1 of the submissions does not count toward it. Last evaluated 2025-09-17.

Conditions:
Inborn genetic diseases. Identifiers: MedGen C0950123, MeSH D030342.
Fanconi anemia (FA). Also called: Fanconi's anemia. Identifiers: Orphanet 84, MedGen C0015625, MeSH D005199, MONDO:0019391.
Fanconi anemia complementation group A (FANCA). Also called: Fanconi anemia, group A; FANCA-Related Fanconi Anemia. Identifiers: Orphanet 84, MedGen C3469521, MONDO:0009215, OMIM 227650.

Allele frequency attached by ClinVar (database versions not stated): ExAC below 0.00001.
gnomAD v4.1: 10 of 1,507,742 alleles (0.00066%); highest among the groups gnomAD compares: African/African-American, 0.0029%; no homozygotes.

Submissions (5):

Quest Diagnostics Nichols Institute San Juan Capistrano
Classification: Uncertain significance. Last evaluated: 2025-09-17. Review status: criteria provided, single submitter. Criteria: Quest Diagnostics criteria. Collection method: clinical testing. Allele origin: unknown.
Comment: The FANCA c.68C>T (p.Ala23Val) variant has been observed in the published literature in a reportedly unaffected individual (PMID: 35884425 (2022)). The frequency of this variant in the general population (Genome Aggregation Database) is uninformative in the assessment of its pathogenicity. Analysis of this variant using bioinformatics tools for the prediction of the effect of amino acid changes on protein structure and function yielded predictions that this variant is benign. Based on the available information, we are unable to determine the clinical significance of this variant.

Labcorp Genetics (formerly Invitae), Labcorp
Classification: Likely benign for Fanconi anemia. Last evaluated: 2025-03-12. Review status: criteria provided, single submitter. Criteria: Invitae Variant Classification Sherloc (09022015). Collection method: clinical testing. Allele origin: germline.

Ambry Genetics
Classification: Uncertain significance for Inborn genetic diseases. Last evaluated: 2024-12-14. Review status: criteria provided, single submitter. Criteria: Ambry Variant Classification Scheme 2023. Collection method: clinical testing. Allele origin: germline.
Comment: The p.A23V variant (also known as c.68C>T), located in coding exon 1 of the FANCA gene, results from a C to T substitution at nucleotide position 68. The alanine at codon 23 is replaced by valine, an amino acid with similar properties. This amino acid position is conserved. In addition, this alteration is predicted to be tolerated by in silico analysis. Based on the available evidence, the clinical significance of this variant remains unclear.

Fulgent Genetics
Classification: Uncertain significance for Fanconi anemia complementation group A. Last evaluated: 2021-09-09. Review status: criteria provided, single submitter. Criteria: ACMG Guidelines, 2015. Collection method: clinical testing. Allele origin: unknown.

Natera, Inc.
Classification: Uncertain significance for Fanconi anemia. Last evaluated: 2020-11-17. Review status: no assertion criteria provided. Collection method: clinical testing. Allele origin: germline. Not counted in ClinVar's aggregate classification.

Literature cited by the submitters: PubMed 35884425 (cited by Quest Diagnostics Nichols Institute San Juan Capistrano).